The following is an entry in ClinVar:

ClinVar aggregate classification (germline): Uncertain significance. Review status: criteria provided, multiple submitters, no conflicts (2 of 4 stars). 2 submissions from 2 submitters: Uncertain significance (2). Last evaluated 2025-02-17.

Conditions:
Inborn genetic diseases. Identifiers: MedGen C0950123, MeSH D030342.

Allele frequency attached by ClinVar (database versions not stated): gnomAD exomes below 0.00001.

Submissions (2):

Labcorp Genetics (formerly Invitae), Labcorp
Classification: Uncertain significance. Last evaluated: 2025-02-17. Review status: criteria provided, single submitter. Criteria: Invitae Variant Classification Sherloc (09022015). Collection method: clinical testing. Allele origin: germline.
Comment: This sequence change replaces histidine, which is basic and polar, with tyrosine, which is neutral and polar, at codon 92 of the C1S protein (p.His92Tyr). This variant is present in population databases (no rsID available, gnomAD 0.0009%). This variant has not been reported in the literature in individuals affected with C1S-related conditions. ClinVar contains an entry for this variant (Variation ID: 1361566). An algorithm developed to predict the effect of missense changes on protein structure and function (PolyPhen-2) suggests that this variant is likely to be tolerated. In summary, the available evidence is currently insufficient to determine the role of this variant in disease. Therefore, it has been classified as a Variant of Uncertain Significance.

Ambry Genetics
Classification: Uncertain significance for Inborn genetic diseases. Last evaluated: 2024-12-11. Review status: criteria provided, single submitter. Criteria: Ambry Variant Classification Scheme 2023. Collection method: clinical testing. Allele origin: germline.

NM_001734.5(C1S):c.274C>T (p.His92Tyr)

Gene: C1S (complement C1s; plus strand). Cytogenetic location: 12p13.31.
Variant type: single nucleotide variant.
Coding change: c.274C>T on transcript NM_001734.5 (MANE Select); coding-DNA position 274, C replaced by T.
Protein change: p.His92Tyr; replaces histidine 92 with tyrosine.
Molecular consequence: missense variant. On other transcripts: 5 prime UTR variant (1).
Genome position (GRCh38, 1-based): chr12:7,062,950, C>T. VCF-style: chr12-7062950-C-T. GRCh37 (hg19) VCF-style: chr12-7170254-C-T.
Other names: c.274C>T (NM_201442.2); c.-228C>T (NM_001346850.2); c.274C>T, p.His92Tyr (NM_201442.4); short protein forms H92Y.
Identifiers: ClinVar variation 1361566 (VCV001361566.9), dbSNP rs1555161482, ClinGen allele CA383689113.
Genomic context (GRCh38, chr12:7,062,950, plus strand): 5'-ATAATCTCAGGAGACACTGAAGAAGGGAGGCTCTGTGGACAGAGGAGCAGTAACAATCCC[C>T]ACTCTCCAATTGTGGAAGAGTTCCAAGTCCCATACAACAAACTCCAGGTGATCTTTAAGT-3'
Protein context (NP_001725.1, residues 82-102): LCGQRSSNNP[His92Tyr]SPIVEEFQVP